The following is an entry in ClinVar:

ClinVar aggregate classification (germline): Likely benign (0 of 4 stars; one submission).

Conditions:
PKD1-related disorder. Also called: PKD1-related condition.

Allele frequency attached by ClinVar (database versions not stated): gnomAD exomes below 0.00001.
gnomAD v4.1: 1 of 1,598,406 alleles (0.000063%); highest among the groups gnomAD compares: Non-Finnish European, 0.000085%; no homozygotes.

Submission:

PreventionGenetics, part of Exact Sciences
Classification: Likely benign for PKD1-related condition. Last evaluated: 2023-04-16. Review status: no assertion criteria provided. Collection method: clinical testing. Allele origin: germline.
Comment: This variant is classified as likely benign based on ACMG/AMP sequence variant interpretation guidelines (Richards et al. 2015 PMID: 25741868, with internal and published modifications).

NM_001009944.3(PKD1):c.7291C>T (p.Leu2431=)

Gene: PKD1 (polycystin 1, transient receptor potential channel interacting; minus strand). Cytogenetic location: 16p13.3.
Variant type: single nucleotide variant.
Coding change: c.7291C>T on transcript NM_001009944.3 (MANE Select); coding-DNA position 7291, C replaced by T.
Protein change: p.Leu2431=; no amino-acid change (leucine 2431 retained).
Molecular consequence: synonymous variant.
Genome position (GRCh38, 1-based): chr16:2,106,596, G>A on the plus strand (C>T on the coding strand, the complement: PKD1 is on the minus strand). VCF-style: chr16-2106596-G-A. GRCh37 (hg19) VCF-style: chr16-2156597-G-A.
Other names: c.7291C>T, p.Leu2431= (NM_000296.4).
Identifiers: ClinVar variation 3051320 (VCV003051320.2), dbSNP rs772981336, ClinGen allele CA493046785.
Genomic context (GRCh38, chr16:2,106,596, plus strand): 5'-GCACCGTGAGCGTGAAGGTGTATCCCTCGCCGTCCCGCAGCACGCCCCGCCGCAGCACCA[G>A]TCGCATGCCTGCACTGCCCGTGGATGTGGTGGTCTCATCCAGCACCAGCGTCTTGTTGCT-3'
Protein context (NP_001009944.3, residues 2421-2441): TTSTGSAGMR[Leu2431=]VLRRGVLRDG